The following is an entry in ClinVar:

ClinVar aggregate classification (germline): Uncertain significance (1 of 4 stars; one submission).

Allele frequency attached by ClinVar (database versions not stated): gnomAD exomes 0.00013 and 0.00018; ESP Exome Variant Server 0.00016; TOPMed 0.00019; ExAC 0.00022; 1000 Genomes Project 0.00060; 1000 Genomes Project 30x 0.00062.
gnomAD v4.1: 237 of 1,604,308 alleles (0.015%); highest among the groups gnomAD compares: Middle Eastern, 0.099%; 1 homozygote.

Submission:

Labcorp Genetics (formerly Invitae), Labcorp
Classification: Uncertain significance. Last evaluated: 2025-11-17. Review status: criteria provided, single submitter. Criteria: Invitae Variant Classification Sherloc (09022015). Collection method: clinical testing. Allele origin: germline.
Comment: This sequence change replaces arginine, which is basic and polar, with cysteine, which is neutral and slightly polar, at codon 1879 of the SPEG protein (p.Arg1879Cys). This variant is present in population databases (rs113853448, gnomAD 0.04%). This variant has not been reported in the literature in individuals affected with SPEG-related conditions. ClinVar contains an entry for this variant (Variation ID: 1376292). An algorithm developed to predict the effect of missense changes on protein structure and function (PolyPhen-2) suggests that this variant is likely to be disruptive. In summary, the available evidence is currently insufficient to determine the role of this variant in disease. Therefore, it has been classified as a Variant of Uncertain Significance.

NM_005876.5(SPEG):c.5635C>T (p.Arg1879Cys)

Genes: ASIC4-AS1 (ASIC4 antisense RNA 1; minus strand), SPEG (striated muscle enriched protein kinase; plus strand). Cytogenetic location: 2q35.
Variant type: single nucleotide variant.
Coding change: c.5635C>T on transcript NM_005876.5 (MANE Select); coding-DNA position 5635, C replaced by T.
Protein change: p.Arg1879Cys; replaces arginine 1879 with cysteine.
Molecular consequence: missense variant.
Genome position (GRCh38, 1-based): chr2:219,483,098, C>T. VCF-style: chr2-219483098-C-T. GRCh37 (hg19) VCF-style: chr2-220347820-C-T.
Other names: short protein forms R1879C.
Identifiers: ClinVar variation 1376292 (VCV001376292.5), dbSNP rs113853448, ClinGen allele CA2126915.
Genomic context (GRCh38, chr2:219,483,098, plus strand): 5'-TGGGGGGGACAATCCTGCCCCAGGGGTCCCTCAGGTCTGACTCCAGTACCCTGTCTCCAG[C>T]GCTCCCAGATCAGCTACAAATGCCACCTGGTGCTGCGCCCCATCCCCGAGCTGCTGCGGG-3'
Protein context (NP_005867.3, residues 1869-1889): KLFLSRRRWQ[Arg1879Cys]SQISYKCHLV